The following is an entry in ClinVar:

NM_000094.4(COL7A1):c.5281G>A (p.Gly1761Ser)

Gene: COL7A1 (collagen type VII alpha 1 chain; minus strand). Cytogenetic location: 3p21.31.
Variant type: single nucleotide variant.
Coding change: c.5281G>A on transcript NM_000094.4 (MANE Select); coding-DNA position 5281, G replaced by A.
Protein change: p.Gly1761Ser; replaces glycine 1761 with serine.
Molecular consequence: missense variant.
Genome position (GRCh38, 1-based): chr3:48,579,395, C>T on the plus strand (G>A on the coding strand, the complement: COL7A1 is on the minus strand). VCF-style: chr3-48579395-C-T. GRCh37 (hg19) VCF-style: chr3-48616828-C-T.
Other names: short protein forms G1761S.
Identifiers: ClinVar variation 2103079 (VCV002103079.4), dbSNP rs2531057878, ClinGen allele CA352676391.
Genomic context (GRCh38, chr3:48,579,395, plus strand): 5'-GCTCATGTCCTGAGAAACCCCCACACCCTCTCACCTTTTCTCCTGCTGGGCCTCGGACAC[C>T]TGGGTCCCCCTGGAGGGAACAGGGTCAGATAAGAGGTGAGGGTAAGATGGGGACTTGGCA-3'
Protein context (NP_000085.1, residues 1751-1771): RGPPGPQGDP[Gly1761Ser]VRGPAGEKGD

ClinVar aggregate classification (germline): Pathogenic (1 of 4 stars; one submission).

Submission:

Labcorp Genetics (formerly Invitae), Labcorp
Classification: Pathogenic. Last evaluated: 2022-03-17. Review status: criteria provided, single submitter. Criteria: Invitae Variant Classification Sherloc (09022015). Collection method: clinical testing. Allele origin: germline.
Comment: This variant disrupts the p.Gly1761 amino acid residue in COL7A1. Other variant(s) that disrupt this residue have been observed in individuals with COL7A1-related conditions (PMID: 21113014, 31001817; Invitae), which suggests that this may be a clinically significant amino acid residue. For these reasons, this variant has been classified as Pathogenic. This variant disrupts the triple helix domain of COL7A1. Glycine residues within the Gly-Xaa-Yaa repeats of the triple helix domain are required for the structure and stability of fibrillar collagens (PMID: 7695699, 8218237, 19344236), and variants at these glycine residues in COL7A1 are more frequently observed in individuals with disease than in the general population (PMID: 22058051). However, the clinical significance of this observation remains uncertain since only a limited number of affected individuals have been described to date. This sequence change replaces glycine, which is neutral and non-polar, with serine, which is neutral and polar, at codon 1761 of the COL7A1 protein (p.Gly1761Ser). This variant is not present in population databases (gnomAD no frequency). This missense change has been observed in individual(s) with clinical features of epidermolysis bullosa dystrophica (Invitae). In at least one individual the data is consistent with being in trans (on the opposite chromosome) from a pathogenic variant. Advanced modeling of protein sequence and biophysical properties (such as structural, functional, and spatial information, amino acid conservation, physicochemical variation, residue mobility, and thermodynamic stability) performed at Invitae indicates that this missense variant is expected to disrupt COL7A1 protein function.

Literature cited by the submitters: PubMed 21113014; PubMed 31001817; PubMed 7695699; PubMed 8218237; PubMed 19344236; PubMed 22058051.